The following is an entry in ClinVar:

ClinVar aggregate classification (germline): Uncertain significance (1 of 4 stars; one submission).

Submission:

Labcorp Genetics (formerly Invitae), Labcorp
Classification: Uncertain significance. Last evaluated: 2024-04-29. Review status: criteria provided, single submitter. Criteria: Invitae Variant Classification Sherloc (09022015). Collection method: clinical testing. Allele origin: germline.
Comment: This sequence change replaces isoleucine, which is neutral and non-polar, with valine, which is neutral and non-polar, at codon 916 of the CACNA1D protein (p.Ile916Val). This variant is not present in population databases (gnomAD no frequency). This variant has not been reported in the literature in individuals affected with CACNA1D-related conditions. Advanced modeling of protein sequence and biophysical properties (such as structural, functional, and spatial information, amino acid conservation, physicochemical variation, residue mobility, and thermodynamic stability) performed at Invitae indicates that this missense variant is expected to disrupt CACNA1D protein function with a positive predictive value of 80%. In summary, the available evidence is currently insufficient to determine the role of this variant in disease. Therefore, it has been classified as a Variant of Uncertain Significance.

NM_001128840.3(CACNA1D):c.2686A>G (p.Ile896Val)

Gene: CACNA1D (calcium voltage-gated channel subunit alpha1 D; plus strand). Cytogenetic location: 3p21.1.
Variant type: single nucleotide variant.
Coding change: c.2686A>G on transcript NM_001128840.3 (MANE Select); coding-DNA position 2686, A replaced by G.
Protein change: p.Ile896Val; replaces isoleucine 896 with valine.
Molecular consequence: missense variant.
Genome position (GRCh38, 1-based): chr3:53,735,438, A>G. VCF-style: chr3-53735438-A-G. GRCh37 (hg19) VCF-style: chr3-53769465-A-G.
Other names: c.2746A>G, p.Ile916Val (NM_000720.4); c.2686A>G, p.Ile896Val (NM_001128839.3); short protein forms I916V, I896V.
Identifiers: ClinVar variation 2798836 (VCV002798836.3), dbSNP rs2473829226, ClinGen allele CA353242585.